The following is an entry in ClinVar:

NM_001278512.2(AP3B2):c.787G>A (p.Glu263Lys)

Genes: AP3B2 (adaptor related protein complex 3 subunit beta 2; minus strand), CPEB1-AS1 (CPEB1 antisense RNA 1; plus strand). Cytogenetic location: 15q25.2.
Variant type: single nucleotide variant.
Coding change: c.787G>A on transcript NM_001278512.2 (MANE Select); coding-DNA position 787, G replaced by A.
Protein change: p.Glu263Lys; replaces glutamic acid 263 with lysine.
Molecular consequence: missense variant.
Genome position (GRCh38, 1-based): chr15:82,680,740, C>T on the plus strand (G>A on the coding strand, the complement: AP3B2 is on the minus strand). VCF-style: chr15-82680740-C-T. GRCh37 (hg19) VCF-style: chr15-83349492-C-T.
Other names: c.691G>A, p.Glu231Lys (NM_001278511.2); c.787G>A, p.Glu263Lys (NM_004644.5); short protein forms E231K, E263K.
Identifiers: ClinVar variation 2109596 (VCV002109596.4), dbSNP rs2048324310, ClinGen allele CA393295556.

ClinVar aggregate classification (germline): Uncertain significance (1 of 4 stars; one submission).

Allele frequency attached by ClinVar (database versions not stated): gnomAD 0.00001.

Submission:

Labcorp Genetics (formerly Invitae), Labcorp
Classification: Uncertain significance. Last evaluated: 2022-03-18. Review status: criteria provided, single submitter. Criteria: Invitae Variant Classification Sherloc (09022015). Collection method: clinical testing. Allele origin: germline.
Comment: This sequence change replaces glutamic acid, which is acidic and polar, with lysine, which is basic and polar, at codon 263 of the AP3B2 protein (p.Glu263Lys). This variant is not present in population databases (gnomAD no frequency). This variant has not been reported in the literature in individuals affected with AP3B2-related conditions. Algorithms developed to predict the effect of missense changes on protein structure and function are either unavailable or do not agree on the potential impact of this missense change (SIFT: "Deleterious"; PolyPhen-2: "Benign"; Align-GVGD: "Class C0"). In summary, the available evidence is currently insufficient to determine the role of this variant in disease. Therefore, it has been classified as a Variant of Uncertain Significance.